The following is an entry in ClinVar:

ClinVar aggregate classification (germline): Uncertain significance (1 of 4 stars; one submission).

Conditions:
Hereditary nonpolyposis colorectal neoplasms. Identifiers: MedGen C0009405, MeSH D003123.

Submission:

Labcorp Genetics (formerly Invitae), Labcorp
Classification: Uncertain significance for Hereditary nonpolyposis colorectal neoplasms. Last evaluated: 2021-11-05. Review status: criteria provided, single submitter. Criteria: Invitae Variant Classification Sherloc (09022015). Collection method: clinical testing. Allele origin: germline.
Comment: This variant is not present in population databases (gnomAD no frequency). In summary, the available evidence is currently insufficient to determine the role of this variant in disease. Therefore, it has been classified as a Variant of Uncertain Significance. Advanced modeling of protein sequence and biophysical properties (such as structural, functional, and spatial information, amino acid conservation, physicochemical variation, residue mobility, and thermodynamic stability) performed at Invitae indicates that this missense variant is not expected to disrupt MSH6 protein function. This variant has not been reported in the literature in individuals affected with MSH6-related conditions. This sequence change replaces cysteine, which is neutral and slightly polar, with serine, which is neutral and polar, at codon 108 of the MSH6 protein (p.Cys108Ser).

NM_000179.3(MSH6):c.323G>C (p.Cys108Ser)

Gene: MSH6 (mutS homolog 6; plus strand). Cytogenetic location: 2p16.3.
Variant type: single nucleotide variant.
Coding change: c.323G>C on transcript NM_000179.3 (MANE Select); coding-DNA position 323, G replaced by C.
Protein change: p.Cys108Ser; replaces cysteine 108 with serine.
Molecular consequence: missense variant. On other transcripts: 5 prime UTR variant (2), intron variant (1).
Genome position (GRCh38, 1-based): chr2:47,790,989, G>C. VCF-style: chr2-47790989-G-C. GRCh37 (hg19) VCF-style: chr2-48018128-G-C.
Other names: c.-414G>C (NM_001281493.2); c.-580G>C (NM_001281494.2); c.237+7519G>C (NM_001281492.2); short protein forms C108S.
Identifiers: ClinVar variation 1463644 (VCV001463644.6), dbSNP rs1572708660, ClinGen allele CA346736933.